The following is an entry in ClinVar:

NM_001048174.2(MUTYH):c.1392+1G>C

Gene: MUTYH (mutY DNA glycosylase; minus strand). Cytogenetic location: 1p34.1.
Variant type: single nucleotide variant.
Coding change: c.1392+1G>C on transcript NM_001048174.2 (MANE Select); the canonical splice donor site of the intron after coding-DNA position 1392, G replaced by C.
Molecular consequence: splice donor variant.
Genome position (GRCh38, 1-based): chr1:45,331,181, C>G on the plus strand (G>C on the coding strand, the complement: MUTYH is on the minus strand). VCF-style: chr1-45331181-C-G. GRCh37 (hg19) VCF-style: chr1-45796853-C-G.
Other names: c.1392+1G>C (NM_001048173.2, NM_001407081.1, NM_001407088.1 and 6 more transcripts); c.1353+1G>C (NM_001407079.1); c.1395+1G>C (NM_001048172.2, NM_001407078.1, NM_001407086.1 and 1 more transcripts); c.1425+1G>C (NM_001407077.1, NM_001293191.2, NM_001407069.1); c.1434+1G>C (NM_001407083.1, NM_001407085.1); c.1308+1G>C (NM_001407075.1); c.1116+1G>C (NM_001407091.1, NM_001293192.2, NM_001293196.2); c.1413+1G>C (NM_001407087.1); and 5 more.
Identifiers: ClinVar variation 4659820 (VCV004659820.1).
Genomic context (GRCh38, chr1:45,331,181, plus strand): 5'-ATATTCATGTAGAACATGTAGGAAACACAAGGAAGTACAACAAAGACAACAAAGGTAGTG[C>G]CTTTTTCATGGCGGTGGAAACAGCTGCGGTGTGAAATTCCTCCTGCGTCAGCCAGCGAGC-3'

ClinVar aggregate classification (germline): Likely pathogenic (1 of 4 stars; one submission).

Conditions:
Hereditary cancer-predisposing syndrome. Also called: Neoplastic Syndromes, Hereditary; Tumor predisposition; Hereditary Cancer Syndrome; Hereditary neoplastic syndrome. Identifiers: Orphanet 140162, MedGen C0027672, MeSH D009386, MONDO:0015356.

Submission:

Ambry Genetics
Classification: Likely pathogenic for Hereditary cancer-predisposing syndrome. Last evaluated: 2025-11-21. Review status: criteria provided, single submitter. Criteria: Ambry Variant Classification Scheme 2023. Collection method: clinical testing. Allele origin: germline.
Comment: The c.1476+1G>C intronic variant results from a G to C substitution one nucleotide after coding exon 14 of the MUTYH gene. Alterations that disrupt the canonical splice site are expected to result in aberrant splicing. In silico splice site analysis predicts that this alteration will weaken the native splice donor site. A resulting transcript is predicted to be in-frame and is not expected to trigger nonsense-mediated mRNA decay; however, direct evidence is insufficient at this time (Ambry internal data). However, the region predicted to be impacted is critical for protein function and a significant portion of the protein is predicted to be impacted (Ambry internal data). This variant is considered to be rare based on population cohorts in the Genome Aggregation Database (gnomAD). This nucleotide position is highly conserved in available vertebrate species. Based on the majority of available evidence to date, this variant is likely to be pathogenic.